The following is an entry in ClinVar:

ClinVar aggregate classification (germline): Pathogenic (1 of 4 stars; one submission).

Submission:

Labcorp Genetics (formerly Invitae), Labcorp
Classification: Pathogenic. Last evaluated: 2022-10-14. Review status: criteria provided, single submitter. Criteria: Invitae Variant Classification Sherloc (09022015). Collection method: clinical testing. Allele origin: germline.
Comment: A gross deletion of the genomic region encompassing the full coding sequence of the HJV gene has been identified. Loss-of-function variants in HJV are known to be pathogenic (PMID: 20301349, 22408404). The boundaries of this event are unknown as they extend beyond the assayed region for this gene and therefore may encompass additional genes. This variant has not been reported in the literature in individuals affected with HJV-related conditions. For these reasons, this variant has been classified as Pathogenic.

Literature cited by the submitters: PubMed 20301349; PubMed 22408404.

NC_000001.10:g.(?_145414772)_(145416946_?)del

Gene: HJV (hemojuvelin BMP co-receptor; minus strand). Cytogenetic location: 1q21.1.
Variant type: Deletion.
Identifiers: ClinVar variation 832621 (VCV000832621.2).